The following is an entry in ClinVar:

ClinVar aggregate classification (germline): Uncertain significance (0 of 4 stars; one submission).

Conditions:
von Willebrand disease type 3 (VWD3). Also called: Type 3 Von Willebrand's disease; Type 3 VWD; Von Willebrand disease, severe form; V WD3; VON WILLEBRAND DISEASE, TYPE III. Identifiers: Orphanet 166096, MedGen C1264041, MONDO:0010191, OMIM 277480.

Submission:

Angelo Bianchi Bonomi Hemophilia and Thrombosis Center, Fondazione IRCCS Ca Granda Ospedale Maggiore Policlinico
Classification: Uncertain significance for von Willebrand disease type 3. Last evaluated: 2020-11-01. Review status: no assertion criteria provided. Collection method: clinical testing. Allele origin: germline. Affected: yes. Study: Type 3 Von Willebrand International Registries Inhibitor Prospective Study (3WINTERS-IPS).
Comment: ClinGen Pathogenicity Calculator

NM_000552.5(VWF):c.5455+2T>C

Gene: VWF (von Willebrand factor; minus strand). Cytogenetic location: 12p13.31.
Variant type: single nucleotide variant.
Coding change: c.5455+2T>C on transcript NM_000552.5 (MANE Select); the canonical splice donor site of the intron after coding-DNA position 5455, T replaced by C.
Molecular consequence: splice donor variant.
Genome position (GRCh38, 1-based): chr12:6,016,087, A>G on the plus strand (T>C on the coding strand, the complement: VWF is on the minus strand). VCF-style: chr12-6016087-A-G. GRCh37 (hg19) VCF-style: chr12-6125253-A-G.
Identifiers: ClinVar variation 1065263 (VCV001065263.3), dbSNP rs2136408262, ClinGen allele CA383494775.
Genomic context (GRCh38, chr12:6,016,087, plus strand): 5'-AATCCTCTATCATTTCTGAAGTCTCGCTCTCCTGAATTGAGGACTGTACACCAGATTCTT[A>G]CTGTTGGACCTGGCGGCATCAGCTGCTGCATCCACTGAATCCACAGAGACGTCCGTGACC-3'